The following is an entry in ClinVar:

NM_007259.5(VPS45):c.1334C>G (p.Ala445Gly)

Gene: VPS45 (vacuolar protein sorting 45 homolog; plus strand). Cytogenetic location: 1q21.2.
Variant type: single nucleotide variant.
Coding change: c.1334C>G on transcript NM_007259.5 (MANE Select); coding-DNA position 1334, C replaced by G.
Protein change: p.Ala445Gly; replaces alanine 445 with glycine.
Molecular consequence: missense variant. On other transcripts: non-coding transcript variant (1).
Genome position (GRCh38, 1-based): chr1:150,092,372, C>G. VCF-style: chr1-150092372-C-G. GRCh37 (hg19) VCF-style: chr1-150064466-C-G.
Other names: c.1019C>G, p.Ala340Gly (NM_001279353.2); c.1226C>G, p.Ala409Gly (NM_001279354.2); c.1334C>G (NM_007259.3); short protein forms A340G, A445G, A409G.
Identifiers: ClinVar variation 971292 (VCV000971292.9), dbSNP rs781801888, ClinGen allele CA1073377.

ClinVar aggregate classification (germline): Uncertain significance. Review status: criteria provided, multiple submitters, no conflicts (2 of 4 stars). 3 submissions from 3 submitters: Uncertain significance (2). 1 of the submissions does not count toward it. Last evaluated 2024-10-26.

Conditions:
Inborn genetic diseases. Identifiers: MedGen C0950123, MeSH D030342.
Congenital neutropenia-myelofibrosis-nephromegaly syndrome. Also called: Severe congenital neutropenia 5, autosomal recessive. Identifiers: Orphanet 369852, MedGen C3809031, MONDO:0014118, OMIM 615285.

Allele frequency attached by ClinVar (database versions not stated): gnomAD exomes 0.00001 and 0.00002; ExAC 0.00005; gnomAD 0.00010 and 0.00011; TOPMed 0.00012.
gnomAD v4.1: 37 of 1,614,116 alleles (0.0023%); highest among the groups gnomAD compares: African/African-American, 0.043%; no homozygotes.

Submissions (3):

Labcorp Genetics (formerly Invitae), Labcorp
Classification: Uncertain significance for Congenital neutropenia-myelofibrosis-nephromegaly syndrome. Last evaluated: 2024-10-26. Review status: criteria provided, single submitter. Criteria: Invitae Variant Classification Sherloc (09022015). Collection method: clinical testing. Allele origin: germline.
Comment: This sequence change replaces alanine, which is neutral and non-polar, with glycine, which is neutral and non-polar, at codon 445 of the VPS45 protein (p.Ala445Gly). This variant is present in population databases (rs781801888, gnomAD 0.05%). This variant has not been reported in the literature in individuals affected with VPS45-related conditions. ClinVar contains an entry for this variant (Variation ID: 971292). Invitae Evidence Modeling of protein sequence and biophysical properties (such as structural, functional, and spatial information, amino acid conservation, physicochemical variation, residue mobility, and thermodynamic stability) indicates that this missense variant is not expected to disrupt VPS45 protein function with a negative predictive value of 80%. In summary, the available evidence is currently insufficient to determine the role of this variant in disease. Therefore, it has been classified as a Variant of Uncertain Significance.

Ambry Genetics
Classification: Uncertain significance for Inborn genetic diseases. Last evaluated: 2021-07-20. Review status: criteria provided, single submitter. Criteria: Ambry Variant Classification Scheme 2023. Collection method: clinical testing. Allele origin: germline.

Natera, Inc.
Classification: Uncertain significance for Autosomal recessive severe congenital neutropenia 5. Last evaluated: 2020-08-25. Review status: no assertion criteria provided. Collection method: clinical testing. Allele origin: germline. Not counted in ClinVar's aggregate classification.